The following is an entry in ClinVar:

NM_000593.6(TAP1):c.26C>A (p.Pro9His)

Gene: TAP1 (transporter 1, ATP binding cassette subfamily B member; minus strand). Cytogenetic location: 6p21.32.
Variant type: single nucleotide variant.
Coding change: c.26C>A on transcript NM_000593.6 (MANE Select); coding-DNA position 26, C replaced by A.
Protein change: p.Pro9His; replaces proline 9 with histidine.
Molecular consequence: missense variant.
Genome position (GRCh38, 1-based): chr6:32,853,611, G>T on the plus strand (C>A on the coding strand, the complement: TAP1 is on the minus strand). VCF-style: chr6-32853611-G-T. GRCh37 (hg19) VCF-style: chr6-32821388-G-T.
Other names: short protein forms P9H.
Identifiers: ClinVar variation 1373402 (VCV001373402.6), dbSNP rs2127394251, ClinGen allele CA363583885.

ClinVar aggregate classification (germline): Uncertain significance (1 of 4 stars; one submission).

Conditions:
MHC class I deficiency. Identifiers: Orphanet 34592, MedGen C6024714, MONDO:0011476.

Submission:

Labcorp Genetics (formerly Invitae), Labcorp
Classification: Uncertain significance for MHC class I deficiency 1. Last evaluated: 2021-09-01. Review status: criteria provided, single submitter. Criteria: Invitae Variant Classification Sherloc (09022015). Collection method: clinical testing. Allele origin: germline.
Comment: This sequence change replaces proline with histidine at codon 69 of the TAP1 protein (p.Pro69His). The proline residue is moderately conserved and there is a moderate physicochemical difference between proline and histidine. This variant is not present in population databases (ExAC no frequency). This variant has not been reported in the literature in individuals affected with TAP1-related conditions. Algorithms developed to predict the effect of missense changes on protein structure and function are either unavailable or do not agree on the potential impact of this missense change (SIFT: "Deleterious"; PolyPhen-2: "Possibly Damaging"; Align-GVGD: "Class C0"). In summary, the available evidence is currently insufficient to determine the role of this variant in disease. Therefore, it has been classified as a Variant of Uncertain Significance.